The following is an entry in ClinVar:

ClinVar aggregate classification (germline): Uncertain significance. Review status: criteria provided, multiple submitters, no conflicts (2 of 4 stars). 4 submissions from 4 submitters: Uncertain significance (4). Last evaluated 2025-01-14.

Conditions:
Leukocyte adhesion deficiency 3. Also called: INTEGRIN ACTIVATION DEFICIENCY DISEASE; LEUKOCYTE ADHESION DEFICIENCY 1 VARIANT; Leukocyte adhesion deficiency, type III. Identifiers: Orphanet 2968, Orphanet 99844, MedGen C2748536, MONDO:0013016, OMIM 612840.

Allele frequency attached by ClinVar (database versions not stated): gnomAD exomes 0.00001.
gnomAD v4.1: 15 of 1,613,460 alleles (0.00093%); highest among the groups gnomAD compares: Middle Eastern, 0.016%; no homozygotes.

Submissions (4):

Mayo Clinic Laboratories, Mayo Clinic
Classification: Uncertain significance. Last evaluated: 2025-01-14. Review status: criteria provided, single submitter. Criteria: ACMG Guidelines, 2015. Collection method: clinical testing. Allele origin: germline. Observed: 1 variant allele.
Comment: PM2_supporting

Labcorp Genetics (formerly Invitae), Labcorp
Classification: Uncertain significance for Leukocyte adhesion deficiency 3. Last evaluated: 2024-02-24. Review status: criteria provided, single submitter. Criteria: Invitae Variant Classification Sherloc (09022015). Collection method: clinical testing. Allele origin: germline.
Comment: This sequence change replaces arginine, which is basic and polar, with tryptophan, which is neutral and slightly polar, at codon 640 of the FERMT3 protein (p.Arg640Trp). This variant is present in population databases (no rsID available, gnomAD 0.006%). This variant has not been reported in the literature in individuals affected with FERMT3-related conditions. ClinVar contains an entry for this variant (Variation ID: 286800). Advanced modeling of protein sequence and biophysical properties (such as structural, functional, and spatial information, amino acid conservation, physicochemical variation, residue mobility, and thermodynamic stability) performed at Invitae indicates that this missense variant is expected to disrupt FERMT3 protein function with a positive predictive value of 80%. In summary, the available evidence is currently insufficient to determine the role of this variant in disease. Therefore, it has been classified as a Variant of Uncertain Significance.

Blueprint Genetics
Classification: Uncertain significance. Last evaluated: 2020-12-23. Review status: criteria provided, single submitter. Criteria: ACMG Guidelines, 2015. Collection method: clinical testing. Allele origin: germline.

Eurofins Ntd Llc (ga)
Classification: Uncertain significance. Last evaluated: 2018-08-02. Review status: criteria provided, single submitter. Criteria: EGL ClinVar v180209 classification definitions. Collection method: clinical testing. Allele origin: germline. Observed: 2 variant alleles, 1 heterozygote, 1 homozygote.

NM_031471.6(FERMT3):c.1918C>T (p.Arg640Trp)

Gene: FERMT3 (FERM domain containing kindlin 3; plus strand). Cytogenetic location: 11q13.1.
Variant type: single nucleotide variant.
Coding change: c.1918C>T on transcript NM_031471.6 (MANE Select); coding-DNA position 1918, C replaced by T.
Protein change: p.Arg640Trp; replaces arginine 640 with tryptophan.
Molecular consequence: missense variant.
Genome position (GRCh38, 1-based): chr11:64,223,418, C>T. VCF-style: chr11-64223418-C-T. GRCh37 (hg19) VCF-style: chr11-63990890-C-T.
Other names: p.Arg640Trp; c.1918C>T, p.Arg640Trp (NM_001382361.1, NM_001382448.1); c.1930C>T, p.Arg644Trp (NM_001382362.1, NM_178443.3); c.1378C>T, p.Arg460Trp (NM_001382363.1); c.1390C>T, p.Arg464Trp (NM_001382364.1); short protein forms R640W, R644W, R460W, R464W.
Identifiers: ClinVar variation 286800 (VCV000286800.11), dbSNP rs886043481, ClinGen allele CA10605571.